The following is an entry in ClinVar:

ClinVar aggregate classification (germline): Uncertain significance (1 of 4 stars; one submission).

Submission:

Ambry Genetics
Classification: Uncertain significance. Last evaluated: 2025-11-16. Review status: criteria provided, single submitter. Criteria: Ambry Variant Classification Scheme 2023. Collection method: clinical testing. Allele origin: germline.
Comment: The p.R153G variant (also known as c.457C>G), located in coding exon 1 of the CDK12 gene, results from a C to G substitution at nucleotide position 457. The arginine at codon 153 is replaced by glycine, an amino acid with dissimilar properties. This amino acid position is conserved. In addition, the in silico prediction for this alteration is inconclusive. Based on the available evidence, the clinical significance of this variant remains unclear.

NM_016507.4(CDK12):c.457C>G (p.Arg153Gly)

Genes: CDK12 (cyclin dependent kinase 12; plus strand), LOC126862553 (CDK7 strongly-dependent group 2 enhancer GRCh37_chr17:37618166-37619365; plus strand). Cytogenetic location: 17q12.
Variant type: single nucleotide variant.
Coding change: c.457C>G on transcript NM_016507.4 (MANE Select); coding-DNA position 457, C replaced by G.
Protein change: p.Arg153Gly; replaces arginine 153 with glycine.
Molecular consequence: missense variant.
Genome position (GRCh38, 1-based): chr17:39,462,528, C>G. VCF-style: chr17-39462528-C-G. GRCh37 (hg19) VCF-style: chr17-37618781-C-G.
Other names: c.457C>G, p.Arg153Gly (NM_015083.4); short protein forms R153G.
Identifiers: ClinVar variation 4651447 (VCV004651447.1).